The following is an entry in ClinVar:

ClinVar aggregate classification (germline): Uncertain significance (1 of 4 stars; one submission).

Conditions:
Curry-Hall syndrome (WAD). Also called: WEYERS ACRODENTAL DYSOSTOSIS. Identifiers: Orphanet 952, MedGen C0457013, MONDO:0008673, OMIM 193530.
Ellis-van Creveld syndrome (EVC). Also called: EVC-Related Ellis-van Creveld Syndrome; EVC2-Related Ellis-van Creveld Syndrome; MESOECTODERMAL DYSPLASIA; Chondroectodermal dysplasia. Identifiers: Orphanet 289, MedGen C0013903, MONDO:0009162, OMIM 225500.

Submission:

Labcorp Genetics (formerly Invitae), Labcorp
Classification: Uncertain significance for Curry-Hall syndrome; Ellis-van Creveld syndrome. Last evaluated: 2023-02-05. Review status: criteria provided, single submitter. Criteria: Invitae Variant Classification Sherloc (09022015). Collection method: clinical testing. Allele origin: germline.
Comment: In summary, the available evidence is currently insufficient to determine the role of this variant in disease. Therefore, it has been classified as a Variant of Uncertain Significance. Algorithms developed to predict the effect of missense changes on protein structure and function (SIFT, PolyPhen-2, Align-GVGD) all suggest that this variant is likely to be tolerated. This variant has not been reported in the literature in individuals affected with EVC2-related conditions. This variant is not present in population databases (gnomAD no frequency). This sequence change replaces alanine, which is neutral and non-polar, with glycine, which is neutral and non-polar, at codon 1157 of the EVC2 protein (p.Ala1157Gly).

NM_147127.5(EVC2):c.3470C>G (p.Ala1157Gly)

Gene: EVC2 (EvC ciliary complex subunit 2; minus strand). Cytogenetic location: 4p16.2.
Variant type: single nucleotide variant.
Coding change: c.3470C>G on transcript NM_147127.5 (MANE Select); coding-DNA position 3470, C replaced by G.
Protein change: p.Ala1157Gly; replaces alanine 1157 with glycine.
Molecular consequence: missense variant.
Genome position (GRCh38, 1-based): chr4:5,568,531, G>C on the plus strand (C>G on the coding strand, the complement: EVC2 is on the minus strand). VCF-style: chr4-5568531-G-C. GRCh37 (hg19) VCF-style: chr4-5570258-G-C.
Other names: c.3230C>G, p.Ala1077Gly (NM_001166136.2); short protein forms A1077G, A1157G.
Identifiers: ClinVar variation 2926547 (VCV002926547.3), dbSNP rs766443374, ClinGen allele CA356149468.